The following is an entry in ClinVar:

ClinVar aggregate classification (germline): Uncertain significance. Review status: criteria provided, multiple submitters, no conflicts (2 of 4 stars). 3 submissions from 2 submitters: Uncertain significance (3). Last evaluated 2026-02-01.

Conditions:
Inborn genetic diseases. Identifiers: MedGen C0950123, MeSH D030342.
Familial thoracic aortic aneurysm and aortic dissection (TAAD). Also called: Thoracic aortic aneurysms and dissections. Identifiers: Orphanet 91387, MedGen C4707243, MONDO:0019625.
Aortic aneurysm, familial thoracic 4 (AAT4). Also called: AORTIC ANEURYSM/AORTIC DISSECTION AND PATENT DUCTUS ARTERIOSUS. Identifiers: MedGen C1851504, MONDO:0007568, OMIM 132900.

Allele frequency attached by ClinVar (database versions not stated): TOPMed below 0.00001; gnomAD exomes 0.00001.
gnomAD v4.1: 9 of 1,614,180 alleles (0.00056%); highest among the groups gnomAD compares: Non-Finnish European, 0.00076%; no homozygotes.

Submissions (3):

Labcorp Genetics (formerly Invitae), Labcorp
Classification: Uncertain significance for Aortic aneurysm, familial thoracic 4. Last evaluated: 2026-02-01. Review status: criteria provided, single submitter. Criteria: Invitae Variant Classification Sherloc (09022015). Collection method: clinical testing. Allele origin: germline.
Comment: This sequence change replaces valine, which is neutral and non-polar, with alanine, which is neutral and non-polar, at codon 1441 of the MYH11 protein (p.Val1441Ala). This variant is not present in population databases (gnomAD no frequency). This variant has not been reported in the literature in individuals affected with MYH11-related conditions. ClinVar contains an entry for this variant (Variation ID: 2448091). Invitae Evidence Modeling of protein sequence and biophysical properties (such as structural, functional, and spatial information, amino acid conservation, physicochemical variation, residue mobility, and thermodynamic stability) indicates that this missense variant is not expected to disrupt MYH11 protein function with a negative predictive value of 95%. In summary, the available evidence is currently insufficient to determine the role of this variant in disease. Therefore, it has been classified as a Variant of Uncertain Significance.

Ambry Genetics
Classification: Uncertain significance for Inborn genetic diseases. Last evaluated: 2025-05-06. Review status: criteria provided, single submitter. Criteria: Ambry Variant Classification Scheme 2023. Collection method: clinical testing. Allele origin: germline.

Ambry Genetics
Classification: Uncertain significance for Familial thoracic aortic aneurysm and aortic dissection. Last evaluated: 2023-03-13. Review status: criteria provided, single submitter. Criteria: Ambry Variant Classification Scheme 2023. Collection method: clinical testing. Allele origin: germline.
Comment: The p.V1434A variant (also known as c.4301T>C), located in coding exon 30 of the MYH11 gene, results from a T to C substitution at nucleotide position 4301. The valine at codon 1434 is replaced by alanine, an amino acid with similar properties. This amino acid position is conserved. In addition, this alteration is predicted to be tolerated by in silico analysis. Since supporting evidence is limited at this time, the clinical significance of this alteration remains unclear.

NM_002474.3(MYH11):c.4301T>C (p.Val1434Ala)

Genes: MYH11 (myosin heavy chain 11; minus strand), NDE1 (nudE neurodevelopment protein 1; plus strand). Cytogenetic location: 16p13.11.
Variant type: single nucleotide variant.
Coding change: c.4301T>C on transcript NM_002474.3 (MANE Select); coding-DNA position 4301, T replaced by C.
Protein change: p.Val1434Ala; replaces valine 1434 with alanine.
Molecular consequence: missense variant.
Genome position (GRCh38, 1-based): chr16:15,724,225, A>G on the plus strand (T>C on the coding strand, the complement: MYH11 is on the minus strand). VCF-style: chr16-15724225-A-G. GRCh37 (hg19) VCF-style: chr16-15818082-A-G.
Other names: c.982A>G (NM_001143979.1); c.4322T>C, p.Val1441Ala (NM_001040113.2, NM_001040114.2); c.4301T>C, p.Val1434Ala (NM_022844.3); c.982A>G, p.Thr328Ala (NM_001143979.2, NM_017668.3); short protein forms T328A, V1434A, V1441A.
Identifiers: ClinVar variation 2448091 (VCV002448091.4), dbSNP rs764485187, ClinGen allele CA278605754.